The following is an entry in ClinVar:

ClinVar aggregate classification (germline): Uncertain significance (1 of 4 stars; one submission).

Submission:

Labcorp Genetics (formerly Invitae), Labcorp
Classification: Uncertain significance. Last evaluated: 2024-11-21. Review status: criteria provided, single submitter. Criteria: Invitae Variant Classification Sherloc (09022015). Collection method: clinical testing. Allele origin: germline.
Comment: This sequence change replaces alanine, which is neutral and non-polar, with threonine, which is neutral and polar, at codon 529 of the ADNP protein (p.Ala529Thr). This variant is present in population databases (rs369537762, gnomAD 0.01%). This missense change has been observed in individual(s) with clinical features of ADNP-related conditions (PMID: 30564305). ClinVar contains an entry for this variant (Variation ID: 2915524). An algorithm developed to predict the effect of missense changes on protein structure and function (PolyPhen-2) suggests that this variant is likely to be tolerated. In summary, the available evidence is currently insufficient to determine the role of this variant in disease. Therefore, it has been classified as a Variant of Uncertain Significance.

Literature cited by the submitters: PubMed 30564305.

NM_001282531.3(ADNP):c.1585G>A (p.Ala529Thr)

Gene: ADNP (activity dependent neuroprotector homeobox; minus strand). Cytogenetic location: 20q13.13.
Variant type: single nucleotide variant.
Coding change: c.1585G>A on transcript NM_001282531.3 (MANE Select); coding-DNA position 1585, G replaced by A.
Protein change: p.Ala529Thr; replaces alanine 529 with threonine.
Molecular consequence: missense variant.
Genome position (GRCh38, 1-based): chr20:50,893,129, C>T on the plus strand (G>A on the coding strand, the complement: ADNP is on the minus strand). VCF-style: chr20-50893129-C-T. GRCh37 (hg19) VCF-style: chr20-49509666-C-T.
Other names: c.1585G>A, p.Ala529Thr (NM_001282532.2, NM_001347511.2, NM_015339.5 and 1 more transcripts); short protein forms A529T.
Identifiers: ClinVar variation 2915524 (VCV002915524.3), dbSNP rs369537762, ClinGen allele CA9908710.